The following is an entry in ClinVar:

ClinVar aggregate classification (germline): Conflicting classifications of pathogenicity. Review status: criteria provided, conflicting classifications (1 of 4 stars). 2 submissions from 2 submitters: Uncertain significance (1); Likely benign (1). Last evaluated 2025-04-02.

Allele frequency attached by ClinVar (database versions not stated): ESP Exome Variant Server 0.00019; 1000 Genomes Project 30x 0.00021; 1000 Genomes Project 0.00026.

Submissions (2):

Ambry Genetics
Classification: Uncertain significance. Last evaluated: 2025-04-02. Review status: criteria provided, single submitter. Criteria: Ambry Variant Classification Scheme 2023. Collection method: clinical testing. Allele origin: germline.

CeGaT Center for Human Genetics Tuebingen
Classification: Likely benign. Last evaluated: 2023-02-01. Review status: criteria provided, single submitter. Criteria: CeGaT Center For Human Genetics Tuebingen Variant Classification Criteria Version 2. Collection method: clinical testing. Allele origin: germline. Affected: yes. Observed: 1 variant allele.
Comment: BEX1: BP4, BS2

NM_018476.4(BEX1):c.104C>T (p.Ala35Val)

Gene: BEX1 (brain expressed X-linked 1; minus strand). Cytogenetic location: Xq22.1.
Variant type: single nucleotide variant.
Coding change: c.104C>T on transcript NM_018476.4 (MANE Select); coding-DNA position 104, C replaced by T.
Protein change: p.Ala35Val; replaces alanine 35 with valine.
Molecular consequence: missense variant.
Genome position (GRCh38, 1-based): chrX:103,063,171, G>A on the plus strand (C>T on the coding strand, the complement: BEX1 is on the minus strand). VCF-style: chrX-103063171-G-A. GRCh37 (hg19) VCF-style: chrX-102318099-G-A.
Other names: short protein forms A35V.
Identifiers: ClinVar variation 2454286 (VCV002454286.26), dbSNP rs140998909, ClinGen allele CA10477095.
Genomic context (GRCh38, chrX:103,063,171, plus strand): 5'-ACGCGGAACCGCCTACGATTTCCTCTAGGCACACAGTATTCACCAGCATCCAAAGGGAGG[G>A]CCAAGGGCTCCCCTTTATTAGCAACTTGCTCCTTTTCTTCATTTTCTTGGTTGGCATTTT-3'
Protein context (NP_060946.3, residues 25-45): EQVANKGEPL[Ala35Val]LPLDAGEYCV